The following is an entry in ClinVar:

ClinVar aggregate classification (germline): Pathogenic (1 of 4 stars; one submission).

Conditions:
CHD7-related CHARGE syndrome. Identifiers: MedGen CN380413, MONDO:1010178, OMIM 214800.

Submission:

Molecular Genetics Laboratory, Motol Hospital
Classification: Pathogenic for CHD7-related CHARGE syndrome. Last evaluated: 2017-09-18. Review status: criteria provided, single submitter. Criteria: ACMG Guidelines, 2015. Collection method: clinical testing. Allele origin: de novo. Affected: yes. Observed: 1 variant allele.
Comment: deafness, defects of heart ventricles, choanal atresia, hypotonia. Rare loss-of-function variants in the CHD7 gene are associated with autosomal dominant CHARGE syndrome (MIM:214800). Rare variant not present in the non-Finnish European poulation (gnomAD v4.1.0). It is an intronic variant for which the creation of novel acceptor splice site is predicted. The variant is classified as pathogenic.

NM_017780.4(CHD7):c.2958-19C>G

Gene: CHD7 (chromodomain helicase DNA binding protein 7; plus strand). Cytogenetic location: 8q12.2.
Variant type: single nucleotide variant.
Coding change: c.2958-19C>G on transcript NM_017780.4 (MANE Select); 19 bases into the intron before coding-DNA position 2958, C replaced by G.
Molecular consequence: intron variant.
Genome position (GRCh38, 1-based): chr8:60,822,484, C>G. VCF-style: chr8-60822484-C-G. GRCh37 (hg19) VCF-style: chr8-61735043-C-G.
Other names: c.1717-39745C>G (NM_001316690.1).
Identifiers: ClinVar variation 4819319 (VCV004819319.1).